The following is an entry in ClinVar:

NM_001999.4(FBN2):c.7996T>C (p.Ser2666Pro)

Gene: FBN2 (fibrillin 2; minus strand). Cytogenetic location: 5q23.3.
Variant type: single nucleotide variant.
Coding change: c.7996T>C on transcript NM_001999.4 (MANE Select); coding-DNA position 7996, T replaced by C.
Protein change: p.Ser2666Pro; replaces serine 2666 with proline.
Molecular consequence: missense variant.
Genome position (GRCh38, 1-based): chr5:128,263,621, A>G on the plus strand (T>C on the coding strand, the complement: FBN2 is on the minus strand). VCF-style: chr5-128263621-A-G. GRCh37 (hg19) VCF-style: chr5-127599313-A-G.
Other names: short protein forms S2666P.
Identifiers: ClinVar variation 4255499 (VCV004255499.1).
Genomic context (GRCh38, chr5:128,263,621, plus strand): 5'-AGGAGAACCCCGAGGGGCAGGCGCACTTGTAACTCCCCAGGGTGTTGTAGCAGGAAGCAG[A>G]GCCACAGGCATTGGGATTGGAGCATTCATTCTCATCTAGTGAAACGAAGAAAGAAACTCT-3'
Protein context (NP_001990.2, residues 2656-2676): NECSNPNACG[Ser2666Pro]ASCYNTLGSY

ClinVar aggregate classification (germline): Uncertain significance (1 of 4 stars; one submission).

Conditions:
Familial thoracic aortic aneurysm and aortic dissection (TAAD). Also called: Thoracic aortic aneurysms and dissections. Identifiers: Orphanet 91387, MedGen C4707243, MONDO:0019625.

Submission:

Ambry Genetics
Classification: Uncertain significance for Familial thoracic aortic aneurysm and aortic dissection. Last evaluated: 2025-08-07. Review status: criteria provided, single submitter. Criteria: Ambry Variant Classification Scheme 2023. Collection method: clinical testing. Allele origin: germline.
Comment: The p.S2666P variant (also known as c.7996T>C), located in coding exon 63 of the FBN2 gene, results from a T to C substitution at nucleotide position 7996. The serine at codon 2666 is replaced by proline, an amino acid with similar properties. This amino acid position is well conserved in available vertebrate species. In addition, this alteration is predicted to be deleterious by in silico analysis. Based on the available evidence, the clinical significance of this variant remains unclear.